The following is an entry in ClinVar:

NM_002734.5(PRKAR1A):c.908T>C (p.Leu303Pro)

Gene: PRKAR1A (protein kinase cAMP-dependent type I regulatory subunit alpha; plus strand). Cytogenetic location: 17q24.2.
Variant type: single nucleotide variant.
Coding change: c.908T>C on transcript NM_002734.5 (MANE Select); coding-DNA position 908, T replaced by C.
Protein change: p.Leu303Pro; replaces leucine 303 with proline.
Molecular consequence: missense variant.
Genome position (GRCh38, 1-based): chr17:68,529,936, T>C. VCF-style: chr17-68529936-T-C. GRCh37 (hg19) VCF-style: chr17-66526077-T-C.
Other names: c.908T>C, p.Leu303Pro (NM_001276289.2, NM_001276290.1, NM_001278433.2 and 4 more transcripts); short protein forms L303P.
Identifiers: ClinVar variation 4674225 (VCV004674225.1).

ClinVar aggregate classification (germline): Uncertain significance (1 of 4 stars; one submission).

Conditions:
Hereditary cancer-predisposing syndrome. Also called: Neoplastic Syndromes, Hereditary; Tumor predisposition; Hereditary Cancer Syndrome; Hereditary neoplastic syndrome. Identifiers: Orphanet 140162, MedGen C0027672, MeSH D009386, MONDO:0015356.

Submission:

Ambry Genetics
Classification: Uncertain significance for Hereditary cancer-predisposing syndrome. Last evaluated: 2025-10-07. Review status: criteria provided, single submitter. Criteria: Ambry Variant Classification Scheme 2023. Collection method: clinical testing. Allele origin: germline.
Comment: The p.L303P variant (also known as c.908T>C), located in coding exon 9 of the PRKAR1A gene, results from a T to C substitution at nucleotide position 908. The leucine at codon 303 is replaced by proline, an amino acid with similar properties. This amino acid position is conserved. In addition, this alteration is predicted to be deleterious by in silico analysis. Based on the available evidence, the clinical significance of this variant remains unclear.